The following is an entry in ClinVar:

NM_000400.4(ERCC2):c.1292C>G (p.Pro431Arg)

Gene: ERCC2 (ERCC excision repair 2, TFIIH core complex helicase subunit; minus strand). Cytogenetic location: 19q13.32.
Variant type: single nucleotide variant.
Coding change: c.1292C>G on transcript NM_000400.4 (MANE Select); coding-DNA position 1292, C replaced by G.
Protein change: p.Pro431Arg; replaces proline 431 with arginine.
Molecular consequence: missense variant.
Genome position (GRCh38, 1-based): chr19:45,357,645, G>C on the plus strand (C>G on the coding strand, the complement: ERCC2 is on the minus strand). VCF-style: chr19-45357645-G-C. GRCh37 (hg19) VCF-style: chr19-45860903-G-C.
Other names: short protein forms P431R.
Identifiers: ClinVar variation 1769132 (VCV001769132.4), dbSNP rs1266742977, ClinGen allele CA406367968.

ClinVar aggregate classification (germline): Uncertain significance. Review status: criteria provided, multiple submitters, no conflicts (2 of 4 stars). 2 submissions from 2 submitters: Uncertain significance (2). Last evaluated 2024-10-21.

Conditions:
Cerebrooculofacioskeletal syndrome 2 (COFS2). Identifiers: MedGen C1853102, MONDO:0012553, OMIM 610756.
Xeroderma pigmentosum, group D (XPD). Also called: XERODERMA PIGMENTOSUM, COMPLEMENTATION GROUP D; XERODERMA PIGMENTOSUM IV; XP, GROUP D; XP, GROUP H; ERCC2-Related Xeroderma Pigmentosum. Identifiers: MedGen C0268138, MONDO:0010212, OMIM 278730.
Trichothiodystrophy 1, photosensitive (TTD1). Also called: TAY SYNDROME; TRICHOTHIODYSTROPHY WITH CONGENITAL ICHTHYOSIS; PIBIDS SYNDROME. Identifiers: Orphanet 33364, MedGen C1866504, MONDO:0011125, OMIM 601675.
Inborn genetic diseases. Identifiers: MedGen C0950123, MeSH D030342.

Allele frequency attached by ClinVar (database versions not stated): gnomAD 0.00001; TOPMed 0.00001.

Submissions (2):

Ambry Genetics
Classification: Uncertain significance for Inborn genetic diseases. Last evaluated: 2024-10-21. Review status: criteria provided, single submitter. Criteria: Ambry Variant Classification Scheme 2023. Collection method: clinical testing. Allele origin: germline.
Comment: The p.P431R variant (also known as c.1292C>G), located in coding exon 13 of the ERCC2 gene, results from a C to G substitution at nucleotide position 1292. The proline at codon 431 is replaced by arginine, an amino acid with dissimilar properties. This amino acid position is conserved. In addition, this alteration is predicted to be deleterious by in silico analysis. Since supporting evidence is limited at this time, the clinical significance of this alteration remains unclear.

Fulgent Genetics
Classification: Uncertain significance for Xeroderma pigmentosum, group D; Trichothiodystrophy 1, photosensitive; Cerebrooculofacioskeletal syndrome 2. Last evaluated: 2024-04-24. Review status: criteria provided, single submitter. Criteria: ACMG Guidelines, 2015. Collection method: clinical testing. Allele origin: germline.